The following is an entry in ClinVar:

ClinVar aggregate classification (germline): Uncertain significance (1 of 4 stars; one submission).

Conditions:
Familial thoracic aortic aneurysm and aortic dissection (TAAD). Also called: Thoracic aortic aneurysms and dissections. Identifiers: Orphanet 91387, MedGen C4707243, MONDO:0019625.

Submission:

Labcorp Genetics (formerly Invitae), Labcorp
Classification: Uncertain significance for Familial thoracic aortic aneurysm and aortic dissection. Last evaluated: 2023-10-04. Review status: criteria provided, single submitter. Criteria: Invitae Variant Classification Sherloc (09022015). Collection method: clinical testing. Allele origin: germline.
Comment: This sequence change falls in intron 2 of the TGFBR2 gene. It does not directly change the encoded amino acid sequence of the TGFBR2 protein. It affects a nucleotide within the consensus splice site. Information on the frequency of this variant in the gnomAD database is not available, as this variant may be reported differently in the database. This variant has been observed in individual(s) with clinical features of TGFBR2-related conditions (Invitae). Variants that disrupt the consensus splice site are a relatively common cause of aberrant splicing (PMID: 17576681, 9536098). Experimental studies and prediction algorithms are not available or were not evaluated, and the effect of this variant on mRNA splicing is currently unknown. In summary, the available evidence is currently insufficient to determine the role of this variant in disease. Therefore, it has been classified as a Variant of Uncertain Significance.

Literature cited by the submitters: PubMed 17576681; PubMed 9536098.

NM_003242.6(TGFBR2):c.263+6_263+7inv

Gene: TGFBR2 (transforming growth factor beta receptor 2; plus strand). Cytogenetic location: 3p24.1.
Variant type: Inversion.
Coding change: c.263+6_263+7inv on transcript NM_003242.6 (MANE Select).
Molecular consequence: intron variant.
Genome position: GRCh38 VCF-style: chr3-30644921-CA-TG. GRCh37 (hg19) VCF-style: chr3-30686413-CA-TG.
Other names: c.158+6_158+7inv (NM_001407129.1, NM_001407132.1, NM_001407136.1 and 3 more transcripts); c.338+6_338+7inv (NM_001407126.1, NM_001024847.3, NM_001407139.1); c.169+21648_169+21649inv (NM_001407137.1); c.263+6_263+7inv (NM_001407127.1, NM_001407130.1); c.95-26717_95-26716inv (NM_001407138.1); c.290+6_290+7inv (NM_001407128.1).
Identifiers: ClinVar variation 2739809 (VCV002739809.3), ClinGen allele CA2697550744.